The following is an entry in ClinVar:

ClinVar aggregate classification (germline): Likely benign (1 of 4 stars; one submission).

gnomAD v4.1: 1,377 of 969,958 alleles (0.14%); highest among the groups gnomAD compares: Middle Eastern, 0.38%; 8 homozygotes.

Submission:

CeGaT Center for Human Genetics Tuebingen
Classification: Likely benign. Last evaluated: 2026-09-01. Review status: criteria provided, single submitter. Criteria: CeGaT Center For Human Genetics Tuebingen Variant Classification Criteria Version 2. Collection method: clinical testing. Allele origin: germline. Affected: yes. Observed: 2 variant alleles.
Comment: TAF4: BS2

NM_003185.4(TAF4):c.397A>T (p.Ser133Cys)

Gene: TAF4 (TATA-box binding protein associated factor 4; minus strand). Cytogenetic location: 20q13.33.
Variant type: single nucleotide variant.
Coding change: c.397A>T on transcript NM_003185.4 (MANE Select); coding-DNA position 397, A replaced by T.
Protein change: p.Ser133Cys; replaces serine 133 with cysteine.
Molecular consequence: missense variant.
Genome position (GRCh38, 1-based): chr20:62,065,414, T>A on the plus strand (A>T on the coding strand, the complement: TAF4 is on the minus strand). VCF-style: chr20-62065414-T-A. GRCh37 (hg19) VCF-style: chr20-60640470-T-A.
Other names: short protein forms S133C.
Identifiers: ClinVar variation 4873263 (VCV004873263.2).